The following is an entry in ClinVar:

ClinVar aggregate classification (germline): Pathogenic (1 of 4 stars; one submission).

Conditions:
Congenital adrenal hyperplasia due to cytochrome P450 oxidoreductase deficiency. Also called: DISORDERED STEROIDOGENESIS DUE TO POR DEFICIENCY. Identifiers: Orphanet 95699, MedGen C1860042, MONDO:0013310, OMIM 613571.

Submission:

Labcorp Genetics (formerly Invitae), Labcorp
Classification: Pathogenic for Congenital adrenal hyperplasia due to cytochrome P450 oxidoreductase deficiency. Last evaluated: 2023-01-24. Review status: criteria provided, single submitter. Criteria: Invitae Variant Classification Sherloc (09022015). Collection method: clinical testing. Allele origin: germline.
Comment: This sequence change creates a premature translational stop signal (p.Leu450Serfs*96) in the POR gene. It is expected to result in an absent or disrupted protein product. Loss-of-function variants in POR are known to be pathogenic (PMID: 14758361, 20732302, 21741353). This variant is not present in population databases (gnomAD no frequency). This variant has not been reported in the literature in individuals affected with POR-related conditions. For these reasons, this variant has been classified as Pathogenic.

Literature cited by the submitters: PubMed 14758361; PubMed 20732302; PubMed 21741353.

NM_001395413.1(POR):c.1337_1338dup (p.Leu447fs)

Gene: POR (cytochrome p450 oxidoreductase; plus strand). Cytogenetic location: 7q11.23.
Variant type: Duplication.
Coding change: c.1337_1338dup on transcript NM_001395413.1 (MANE Select); coding-DNA positions 1337 to 1338, 2 bases duplicated (AG; older notation c.1337_1338dupAG).
Protein change: p.Leu447fs; shifts the reading frame from leucine 447.
Molecular consequence: frameshift variant. On other transcripts: intron variant (1).
Genome position (GRCh38, 1-based): chr7:75,985,155-75,985,156, AG duplicated; duplicating any 2 consecutive bases within chr7:75,985,154-75,985,156 gives the same sequence; the c. name uses the placement nearest the transcript's 3' end. VCF-style (leftmost placement, unchanged base first): chr7-75985153-T-TGA. GRCh37 (hg19) VCF-style: chr7-75614471-T-TGA.
Other names: c.1346_1347dup, p.Leu450Serfs (NM_000941.2, NM_000941.3); c.1337_1338dup, p.Leu447fs (NM_001367562.3, NM_001382657.2, NM_001382658.3 and 1 more transcripts); c.1391_1392dup, p.Leu465fs (NM_001382655.3); c.1239+197_1239+198dup (NM_001382662.3); short protein forms L465fs, L447fs.
Identifiers: ClinVar variation 2831438 (VCV002831438.3), dbSNP rs2535404377, ClinGen allele CA456075521.